The following is an entry in ClinVar:

ClinVar aggregate classification (germline): Uncertain significance. Review status: criteria provided, single submitter (1 of 4 stars). 2 submissions from 2 submitters: Uncertain significance (1). 1 of the submissions does not count toward it. Last evaluated 2023-11-07.

Conditions:
Cystic fibrosis (CF). Also called: MUCOVISCIDOSIS. Identifiers: Orphanet 586, MedGen C0010674, MONDO:0009061, OMIM 219700. Disease mechanism: loss of function.

Submissions (2):

Women's Health and Genetics/Laboratory Corporation of America, LabCorp
Classification: Uncertain significance. Last evaluated: 2023-11-07. Review status: criteria provided, single submitter. Criteria: LabCorp Variant Classification Summary - May 2015. Collection method: clinical testing. Allele origin: germline.
Comment: Variant summary: CFTR c.1597T>C (p.Phe533Leu) results in a non-conservative amino acid change located in the ABC transporter-like, ATP-binding domain (IPR003439) of the encoded protein sequence. Three of five in-silico tools predict a benign effect of the variant on protein function. The variant was absent in 250892 control chromosomes (gnomAD). The available data on variant occurrences in the general population are insufficient to allow any conclusion about variant significance. c.1597T>C has been reported in the literature in at least one individual affected with Cystic Fibrosis, however the second CFTR variant in this individual remains unknown (e.g., Kambouris_2000). This report therefore does not provide unequivocal conclusions about association of the variant with Cystic Fibrosis. To our knowledge, no experimental evidence demonstrating an impact on protein function has been reported. The following publications have been ascertained in the context of this evaluation (PMID: 10834512, 22326559). No submitters have reported clinical-significance assessments for this variant to ClinVar after 2014. Based on the evidence outlined above, the variant was classified as uncertain significance.

ClinVar Staff, National Center for Biotechnology Information (NCBI)
No classification provided. Condition: CFTR-related disorders. Review status: no classification provided. Collection method: literature only. Allele origin: germline. Affected: yes. Not counted in ClinVar's aggregate classification.

Literature cited by the submitters: PubMed 22326559 (cited by Women's Health and Genetics/Laboratory Corporation of America, LabCorp); PubMed 10834512 (cited by Women's Health and Genetics/Laboratory Corporation of America, LabCorp and ClinVar Staff, National Center for Biotechnology Information (NCBI)).

NM_000492.4(CFTR):c.1597T>C (p.Phe533Leu)

Genes: CFTR (CF transmembrane conductance regulator; plus strand), LOC111674475 (CFTR intron 11 enhancer; plus strand). Cytogenetic location: 7q31.2.
Variant type: single nucleotide variant.
Coding change: c.1597T>C on transcript NM_000492.4 (MANE Select); coding-DNA position 1597, T replaced by C.
Protein change: p.Phe533Leu; replaces phenylalanine 533 with leucine.
Molecular consequence: missense variant.
Genome position (GRCh38, 1-based): chr7:117,587,751, T>C. VCF-style: chr7-117587751-T-C. GRCh37 (hg19) VCF-style: chr7-117227805-T-C.
Other names: short protein forms F533L.
Identifiers: ClinVar variation 53295 (VCV000053295.2), dbSNP rs397508238, ClinGen allele CA326551.
Genomic context (GRCh38, chr7:117,587,751, plus strand): 5'-ATTGAGCATACTAAAAGTGACTCTCTAATTTTCTATTTTTGGTAATAGGACATCTCCAAG[T>C]TTGCAGAGAAAGACAATATAGTTCTTGGAGAAGGTGGAATCACACTGAGTGGAGGTCAAC-3'
Protein context (NP_000483.3, residues 523-543): ACQLEEDISK[Phe533Leu]AEKDNIVLGE